The following is an entry in ClinVar:

NM_001197294.2(DPYSL3):c.382-28598C>A

Gene: DPYSL3 (dihydropyrimidinase like 3; minus strand). Cytogenetic location: 5q32.
Variant type: single nucleotide variant.
Coding change: c.382-28598C>A on transcript NM_001197294.2 (MANE Select); 28598 bases into the intron before coding-DNA position 382, C replaced by A.
Molecular consequence: intron variant. On other transcripts: synonymous variant (1).
Genome position (GRCh38, 1-based): chr5:147,453,561, G>T on the plus strand (C>A on the coding strand, the complement: DPYSL3 is on the minus strand). VCF-style: chr5-147453561-G-T. GRCh37 (hg19) VCF-style: chr5-146833124-G-T.
Other names: c.27C>A, p.Ile9= (NM_001387.3).
Identifiers: ClinVar variation 2655892 (VCV002655892.24), dbSNP rs137909376, ClinGen allele CA3493968.

ClinVar aggregate classification (germline): Likely benign (1 of 4 stars; one submission).

Allele frequency attached by ClinVar (database versions not stated): ESP Exome Variant Server 0.00571; 1000 Genomes Project 30x 0.00625; 1000 Genomes Project 0.00659; TOPMed 0.00688; gnomAD 0.00690; ExAC 0.00720; gnomAD exomes 0.00917.
gnomAD v4.1: 13,706 of 1,540,144 alleles (0.89%); highest among the groups gnomAD compares: Non-Finnish European, 1%; 78 homozygotes.

Submission:

CeGaT Center for Human Genetics Tuebingen
Classification: Likely benign. Last evaluated: 2022-10-01. Review status: criteria provided, single submitter. Criteria: CeGaT Center For Human Genetics Tuebingen Variant Classification Criteria Version 2. Collection method: clinical testing. Allele origin: germline. Affected: yes. Observed: 1 variant allele.
Comment: DPYSL3: BP4, BP7